The following is an entry in ClinVar:

NM_007289.4(MME):c.440-2A>C

Gene: MME (membrane metalloendopeptidase; plus strand). Cytogenetic location: 3q25.2.
Variant type: single nucleotide variant.
Coding change: c.440-2A>C on transcript NM_007289.4 (MANE Select); the canonical splice acceptor site of the intron before coding-DNA position 440, A replaced by C.
Molecular consequence: splice acceptor variant.
Genome position (GRCh38, 1-based): chr3:155,116,662, A>C. VCF-style: chr3-155116662-A-C. GRCh37 (hg19) VCF-style: chr3-154834451-A-C.
Other names: c.440-2A>C (NM_001354642.2, NM_000902.5, NM_007287.4 and 2 more transcripts).
Identifiers: ClinVar variation 431858 (VCV000431858.53), dbSNP rs200435950, ClinGen allele CA2675168.
Genomic context (GRCh38, chr3:155,116,662, plus strand): 5'-ATATATTGGTGCCAAACTATGCCTAGATTTCTAATTGAATTTATGTTTGTTGTTTCCAAA[A>C]GCTGCTATTGATAGCAGAGGTGGAGAACCTCTACTCAAACTGTTACCAGACATATATGGG-3'

ClinVar aggregate classification (germline): Pathogenic/Likely pathogenic. Review status: criteria provided, multiple submitters, no conflicts (2 of 4 stars). 7 submissions from 7 submitters: Pathogenic (1); Likely pathogenic (6). Last evaluated 2026-09-01.

Conditions:
Charcot-Marie-Tooth disease axonal type 2T. Identifiers: Orphanet 443950, MedGen C4015635, OMIM 617017, MONDO:0014866.
MME-related disorder. Also called: MME-related condition.

Allele frequency attached by ClinVar (database versions not stated): gnomAD 0.00001; ExAC 0.00002; gnomAD exomes 0.00002; ESP Exome Variant Server 0.00008.
gnomAD v4.1: 23 of 1,609,404 alleles (0.0014%); highest among the groups gnomAD compares: Non-Finnish European, 0.0019%; no homozygotes.

Submissions (7):

CeGaT Center for Human Genetics Tuebingen
Classification: Likely pathogenic. Last evaluated: 2026-09-01. Review status: criteria provided, single submitter. Criteria: CeGaT Center For Human Genetics Tuebingen Variant Classification Criteria Version 2. Collection method: clinical testing. Allele origin: germline. Affected: yes. Observed: 2 variant alleles.
Comment: MME: PM2, PM3, PVS1:Moderate

Labcorp Genetics (formerly Invitae), Labcorp
Classification: Likely pathogenic. Last evaluated: 2025-10-07. Review status: criteria provided, single submitter. Criteria: Invitae Variant Classification Sherloc (09022015). Collection method: clinical testing. Allele origin: germline.
Comment: This sequence change affects an acceptor splice site in intron 5 of the MME gene. It is expected to disrupt RNA splicing. Variants that disrupt the donor or acceptor splice site typically lead to a loss of protein function (PMID: 16199547), and loss-of-function variants in MME are known to be pathogenic (PMID: 26991897). This variant is present in population databases (rs200435950, gnomAD 0.004%). Disruption of this splice site has been observed in individual(s) with clinical features of MME-related conditions (PMID: 27588448). ClinVar contains an entry for this variant (Variation ID: 431858). Algorithms developed to predict the effect of sequence changes on RNA splicing suggest that this variant may disrupt the consensus splice site. In summary, the currently available evidence indicates that the variant is pathogenic, but additional data are needed to prove that conclusively. Therefore, this variant has been classified as Likely Pathogenic.

Laboratory of Genetics, Children's Clinical University Hospital Latvia
Classification: Pathogenic. Last evaluated: 2025-02-16. Review status: criteria provided, single submitter. Criteria: ACMG Guidelines, 2015. Collection method: clinical testing. Allele origin: germline. Affected: yes.

Institute of Medical Genetics and Applied Genomics, University Hospital Tübingen
Classification: Likely pathogenic for Charcot-Marie-Tooth disease axonal type 2T. Last evaluated: 2024-01-25. Review status: criteria provided, single submitter. Criteria: ACMG Guidelines, 2015. Collection method: clinical testing. Allele origin: germline. Affected: yes.

Blueprint Genetics
Classification: Likely pathogenic for MME-related disorders. Last evaluated: 2023-04-24. Review status: criteria provided, single submitter. Criteria: ACMG Guidelines, 2015. Collection method: clinical testing. Allele origin: germline. Affected: yes. Observed: 3 variant alleles.

Revvity Omics, Revvity
Classification: Likely pathogenic. Last evaluated: 2022-05-26. Review status: criteria provided, single submitter. Criteria: ACMG Guidelines, 2015. Collection method: clinical testing. Allele origin: germline.

GeneDx
Classification: Likely pathogenic. Last evaluated: 2020-12-16. Review status: criteria provided, single submitter. Criteria: GeneDx Variant Classification Process June 2021. Collection method: clinical testing. Allele origin: germline. Affected: yes.
Comment: Canonical splice site variant expected to result in aberrant splicing, although in the absence of functional evidence the actual effect of this sequence change is unknown.; Observed as a heterozygous variant in a patient with late-onset CMT type 2 (Auer-Grumbach et al., 2016); Not observed at a significant frequency in large population cohorts (Lek et al., 2016); This variant is associated with the following publications: (PMID: 27588448)

Literature cited by the submitters: PubMed 16199547 (cited by Labcorp Genetics (formerly Invitae), Labcorp); PubMed 26991897 (cited by Labcorp Genetics (formerly Invitae), Labcorp); PubMed 27588448 (cited by Labcorp Genetics (formerly Invitae), Labcorp).